The following is an entry in ClinVar:

ClinVar aggregate classification (germline): Uncertain significance. Review status: criteria provided, multiple submitters, no conflicts (2 of 4 stars). 2 submissions from 2 submitters: Uncertain significance (2). Last evaluated 2025-09-19.

Conditions:
Hereditary cancer-predisposing syndrome. Also called: Neoplastic Syndromes, Hereditary; Hereditary Cancer Syndrome; Tumor predisposition; Hereditary neoplastic syndrome. Identifiers: Orphanet 140162, MedGen C0027672, MeSH D009386, MONDO:0015356.
Rhabdoid tumor predisposition syndrome 2 (RTPS2). Identifiers: Orphanet 231108, Orphanet 69077, MedGen C2750074, MONDO:0013224, OMIM 613325.

Submissions (2):

Ambry Genetics
Classification: Uncertain significance for Hereditary cancer-predisposing syndrome. Last evaluated: 2025-09-19. Review status: criteria provided, single submitter. Criteria: Ambry Variant Classification Scheme 2023. Collection method: clinical testing. Allele origin: germline.
Comment: The p.L1483V variant (also known as c.4447C>G), located in coding exon 30 of the SMARCA4 gene, results from a C to G substitution at nucleotide position 4447. The leucine at codon 1483 is replaced by valine, an amino acid with highly similar properties. This amino acid position is conserved. In addition, this alteration is predicted to be tolerated by in silico analysis. Based on the available evidence, the clinical significance of this variant remains unclear.

Labcorp Genetics (formerly Invitae), Labcorp
Classification: Uncertain significance for Rhabdoid tumor predisposition syndrome 2. Last evaluated: 2024-05-29. Review status: criteria provided, single submitter. Criteria: Invitae Variant Classification Sherloc (09022015). Collection method: clinical testing. Allele origin: germline.
Comment: This sequence change replaces leucine, which is neutral and non-polar, with valine, which is neutral and non-polar, at codon 1483 of the SMARCA4 protein (p.Leu1483Val). This variant is not present in population databases (gnomAD no frequency). This variant has not been reported in the literature in individuals affected with SMARCA4-related conditions. ClinVar contains an entry for this variant (Variation ID: 581765). Advanced modeling of protein sequence and biophysical properties (such as structural, functional, and spatial information, amino acid conservation, physicochemical variation, residue mobility, and thermodynamic stability) performed at Invitae indicates that this missense variant is not expected to disrupt SMARCA4 protein function with a negative predictive value of 95%. In summary, the available evidence is currently insufficient to determine the role of this variant in disease. Therefore, it has been classified as a Variant of Uncertain Significance.

NM_003072.5(SMARCA4):c.4351C>G (p.Leu1451Val)

Gene: SMARCA4 (SWI/SNF related BAF chromatin remodeling complex subunit ATPase 4; plus strand). Cytogenetic location: 19p13.2.
Variant type: single nucleotide variant.
Coding change: c.4351C>G on transcript NM_003072.5 (MANE Select); coding-DNA position 4351, C replaced by G.
Protein change: p.Leu1451Val; replaces leucine 1451 with valine.
Molecular consequence: missense variant. On other transcripts: non-coding transcript variant (1).
Genome position (GRCh38, 1-based): chr19:11,041,487, C>G. VCF-style: chr19-11041487-C-G. GRCh37 (hg19) VCF-style: chr19-11152163-C-G.
Other names: c.4351C>G, p.Leu1451Val (NM_001128844.3); c.4261C>G, p.Leu1421Val (NM_001128845.2, NM_001128846.2); c.4252C>G, p.Leu1418Val (NM_001128847.4, NM_001128848.2, NM_001374457.1); c.4447C>G, p.Leu1483Val (NM_001128849.3, NM_001387283.1); short protein forms L1483V, L1418V, L1421V, L1451V.
Identifiers: ClinVar variation 581765 (VCV000581765.9), dbSNP rs1568528504, ClinGen allele CA404073954.